The following is an entry in ClinVar:

ClinVar aggregate classification (germline): Uncertain significance (1 of 4 stars; one submission).

Conditions:
Muscular dystrophy-dystroglycanopathy (congenital with brain and eye anomalies), type A, 7. Also called: WALKER-WARBURG SYNDROME OR MUSCLE-EYE-BRAIN DISEASE, ISPD-RELATED; Congenital muscular dystrophy-dystroglycanopathy with brain and eye anomalies, type A7. Identifiers: Orphanet 899, MedGen C3553330, MONDO:0013835, OMIM 614643.
Autosomal recessive limb-girdle muscular dystrophy type 2U. Also called: Muscular dystrophy-dystroglycanopathy (limb-girdle), type c, 7; MUSCULAR DYSTROPHY, LIMB-GIRDLE, TYPE 2U. Identifiers: Orphanet 352479, MedGen C5190987, MONDO:0014474, OMIM 616052.

gnomAD v4.1: 1 of 1,587,404 alleles (0.000063%); highest among the groups gnomAD compares: Non-Finnish European, 0.000086%; no homozygotes.

Submission:

Labcorp Genetics (formerly Invitae), Labcorp
Classification: Uncertain significance for Muscular dystrophy-dystroglycanopathy (congenital with brain and eye anomalies), type A, 7; Autosomal recessive limb-girdle muscular dystrophy type 2U. Last evaluated: 2021-06-11. Review status: criteria provided, single submitter. Criteria: Invitae Variant Classification Sherloc (09022015). Collection method: clinical testing. Allele origin: germline.
Comment: In summary, the available evidence is currently insufficient to determine the role of this variant in disease. Therefore, it has been classified as a Variant of Uncertain Significance. Algorithms developed to predict the effect of missense changes on protein structure and function (SIFT, PolyPhen-2, Align-GVGD) all suggest that this variant is likely to be disruptive, but these predictions have not been confirmed by published functional studies and their clinical significance is uncertain. This variant has not been reported in the literature in individuals with ISPD-related conditions. This variant is not present in population databases (ExAC no frequency). This sequence change replaces aspartic acid with histidine at codon 231 of the ISPD protein (p.Asp231His). The aspartic acid residue is highly conserved and there is a moderate physicochemical difference between aspartic acid and histidine.

NM_001101426.4(CRPPA):c.691G>C (p.Asp231His)

Gene: CRPPA (CDP-L-ribitol pyrophosphorylase A; minus strand). Cytogenetic location: 7p21.2.
Variant type: single nucleotide variant.
Coding change: c.691G>C on transcript NM_001101426.4 (MANE Select); coding-DNA position 691, G replaced by C.
Protein change: p.Asp231His; replaces aspartic acid 231 with histidine.
Molecular consequence: missense variant. On other transcripts: intron variant (1).
Genome position (GRCh38, 1-based): chr7:16,308,621, C>G on the plus strand (G>C on the coding strand, the complement: CRPPA is on the minus strand). VCF-style: chr7-16308621-C-G. GRCh37 (hg19) VCF-style: chr7-16348246-C-G.
Other names: c.541G>C, p.Asp181His (NM_001101417.4); c.685-7155G>C (NM_001368197.1); short protein forms D181H, D231H.
Identifiers: ClinVar variation 1680773 (VCV001680773.8), dbSNP rs1784967390, ClinGen allele CA367001773.